The following is an entry in ClinVar:

ClinVar aggregate classification (germline): Likely pathogenic (1 of 4 stars; one submission).

Conditions:
Intellectual disability-microcephaly-strabismus-behavioral abnormalities syndrome. Also called: White-Sutton Syndrome. Identifiers: Orphanet 468678, MedGen C4225351, MONDO:0014606, OMIM 616364.

Submission:

3billion
Classification: Likely pathogenic for Intellectual disability-microcephaly-strabismus-behavioral abnormalities syndrome. Last evaluated: 2024-07-17. Review status: criteria provided, single submitter. Criteria: ACMG Guidelines, 2015. Collection method: clinical testing. Allele origin: germline. Affected: yes.
Comment: The variant is observed at an extremely low frequency in the gnomAD v4.0.0 dataset (total allele frequency: <0.001%). Predicted Consequence/Location: Frameshift: predicted to result in a loss or disruption of normal protein function through nonsense-mediated decay (NMD) or protein truncation. Multiple pathogenic variants are reported downstream of the variant. Therefore, this variant is classified as Likely pathogenic according to the recommendation of ACMG/AMP guideline.

NM_015100.4(POGZ):c.2030_2036del (p.Lys677fs)

Gene: POGZ (pogo transposable element derived with ZNF domain; minus strand). Cytogenetic location: 1q21.3.
Variant type: Deletion.
Coding change: c.2030_2036del on transcript NM_015100.4 (MANE Select); coding-DNA positions 2030 to 2036, 7 bases deleted (AGCAGCT; older notation c.2030_2036delAGCAGCT).
Protein change: p.Lys677fs; shifts the reading frame from lysine 677.
Molecular consequence: frameshift variant.
Genome position (GRCh38, 1-based): chr1:151,408,719-151,408,725, AGCTGCT deleted on the plus strand (AGCAGCT on the coding strand, the reverse complement: POGZ is on the minus strand). VCF-style (leftmost placement, unchanged base first): chr1-151408718-CAGCTGCT-C. GRCh37 (hg19) VCF-style: chr1-151381194-CAGCTGCT-C.
Other names: c.2003_2009del, p.Lys668fs (NM_001194937.2); c.1844_1850del, p.Lys615fs (NM_001194938.2); c.2051_2057del, p.Lys684fs (NM_001410860.1); c.1745_1751del, p.Lys582fs (NM_145796.4); c.1871_1877del, p.Lys624fs (NM_207171.2); short protein forms K582fs, K615fs, K624fs, K668fs, K677fs, K684fs.
Identifiers: ClinVar variation 4291778 (VCV004291778.1).